The following is an entry in ClinVar:

ClinVar aggregate classification (germline): Conflicting classifications of pathogenicity. Review status: criteria provided, conflicting classifications (1 of 4 stars). 3 submissions from 3 submitters: Uncertain significance (2); Likely benign (1). Last evaluated 2023-11-08.

Conditions:
POLG-related disorder. Also called: POLG-Related Spectrum Disorders; POLG-related condition; POLG-Related Disorders. Identifiers: MedGen C4763519.
Progressive sclerosing poliodystrophy (MTDPS4A). Also called: Mitochondrial DNA Depletion Syndrome 4A; Alpers-Huttenlocher Syndrome (AHS); ALPERS PROGRESSIVE INFANTILE POLIODYSTROPHY; NEURONAL DEGENERATION OF CHILDHOOD WITH LIVER DISEASE, PROGRESSIVE; Mitochondrial DNA depletion syndrome 4A (Alpers type); Alpers Syndrome. Identifiers: Orphanet 726, MedGen C0205710, MONDO:0008758, OMIM 203700.

Allele frequency attached by ClinVar (database versions not stated): gnomAD exomes 0.00001.
gnomAD v4.1: 12 of 1,614,072 alleles (0.00074%); highest among the groups gnomAD compares: Non-Finnish European, 0.001%; no homozygotes.

Submissions (3):

Labcorp Genetics (formerly Invitae), Labcorp
Classification: Uncertain significance for Progressive sclerosing poliodystrophy. Last evaluated: 2023-11-08. Review status: criteria provided, single submitter. Criteria: Invitae Variant Classification Sherloc (09022015). Collection method: clinical testing. Allele origin: germline.
Comment: This sequence change falls in intron 20 of the POLG gene. It does not directly change the encoded amino acid sequence of the POLG protein. It affects a nucleotide within the consensus splice site. This variant is present in population databases (no rsID available, gnomAD 0.002%). This variant has not been reported in the literature in individuals affected with POLG-related conditions. ClinVar contains an entry for this variant (Variation ID: 317324). Variants that disrupt the consensus splice site are a relatively common cause of aberrant splicing (PMID: 17576681, 9536098). Algorithms developed to predict the effect of sequence changes on RNA splicing suggest that this variant is not likely to affect RNA splicing. In summary, the available evidence is currently insufficient to determine the role of this variant in disease. Therefore, it has been classified as a Variant of Uncertain Significance.

Wong Mito Lab, Molecular and Human Genetics, Baylor College of Medicine
Classification: Likely benign for Progressive sclerosing poliodystrophy. Last evaluated: 2018-10-01. Review status: criteria provided, single submitter. Criteria: ACMG Guidelines, 2015. Collection method: clinical testing. Allele origin: germline.
Comment: The NM_002693.2:c.3273+6T>A (NP_002684.1:p.=) [GRCH38: NC_000015.10:g.89318925A>T] variant in POLG gene is interpretated to be a Likely Benign based on ACMG guidelines (PMID: 25741868). This variant meets the following evidence codes reported in the ACMG-guideline. BP4:Computational evidence/predictors indicate no impact on the POLG structure, function, or protein-protein interaction. BP6:Reputable source(s) without shared data suggest the variant is benign. Based on the evidence criteria codes applied, the variant is suggested to be Likely Benign.

Illumina Laboratory Services, Illumina
Classification: Uncertain significance for POLG-Related Spectrum Disorders. Last evaluated: 2018-01-12. Review status: criteria provided, single submitter. Criteria: ICSL Variant Classification Criteria 13 December 2019. Collection method: clinical testing. Allele origin: germline.

Literature cited by the submitters: PubMed 17576681 (cited by Labcorp Genetics (formerly Invitae), Labcorp); PubMed 9536098 (cited by Labcorp Genetics (formerly Invitae), Labcorp).

NM_002693.3(POLG):c.3273+6T>A

Gene: POLG (DNA polymerase gamma, catalytic subunit; minus strand). Cytogenetic location: 15q26.1.
Variant type: single nucleotide variant.
Coding change: c.3273+6T>A on transcript NM_002693.3 (MANE Select); 6 bases into the intron after coding-DNA position 3273, T replaced by A.
Molecular consequence: intron variant.
Genome position (GRCh38, 1-based): chr15:89,318,925, A>T on the plus strand (T>A on the coding strand, the complement: POLG is on the minus strand). VCF-style: chr15-89318925-A-T. GRCh37 (hg19) VCF-style: chr15-89862156-A-T.
Other names: c.3273+6T>A (NM_001126131.2).
Identifiers: ClinVar variation 317324 (VCV000317324.14), dbSNP rs886051522, ClinGen allele CA10602323.